The following is an entry in ClinVar:

NM_000732.6(CD3D):c.112A>G (p.Asn38Asp)

Gene: CD3D (CD3 delta subunit of T-cell receptor complex; minus strand). Cytogenetic location: 11q23.3.
Variant type: single nucleotide variant.
Coding change: c.112A>G on transcript NM_000732.6 (MANE Select); coding-DNA position 112, A replaced by G.
Protein change: p.Asn38Asp; replaces asparagine 38 with aspartic acid.
Molecular consequence: missense variant.
Genome position (GRCh38, 1-based): chr11:118,340,537, T>C on the plus strand (A>G on the coding strand, the complement: CD3D is on the minus strand). VCF-style: chr11-118340537-T-C. GRCh37 (hg19) VCF-style: chr11-118211252-T-C.
Other names: c.112A>G, p.Asn38Asp (NM_001040651.2); short protein forms N38D.
Identifiers: ClinVar variation 848861 (VCV000848861.9), dbSNP rs1346172061, ClinGen allele CA382789569.

ClinVar aggregate classification (germline): Uncertain significance (1 of 4 stars; one submission).

Conditions:
Immunodeficiency 19 (IMD19). Also called: CD3-DELTA DEFICIENCY; SEVERE COMBINED IMMUNODEFICIENCY, T CELL-NEGATIVE, B CELL-POSITIVE, NK CELL-POSITIVE; SCID, T CELL-NEGATIVE, B CELL-POSITIVE, NK CELL-POSITIVE; IMMUNODEFICIENCY 19, SEVERE COMBINED. Identifiers: MedGen C3810147, MONDO:0014280, OMIM 615617.

Allele frequency attached by ClinVar (database versions not stated): gnomAD exomes below 0.00001.
gnomAD v4.1: 2 of 1,614,110 alleles (0.00012%); highest among the groups gnomAD compares: Admixed American, 0.0017%; no homozygotes.

Submission:

Labcorp Genetics (formerly Invitae), Labcorp
Classification: Uncertain significance for Immunodeficiency 19. Last evaluated: 2022-05-07. Review status: criteria provided, single submitter. Criteria: Invitae Variant Classification Sherloc (09022015). Collection method: clinical testing. Allele origin: germline.
Comment: In summary, the available evidence is currently insufficient to determine the role of this variant in disease. Therefore, it has been classified as a Variant of Uncertain Significance. Algorithms developed to predict the effect of missense changes on protein structure and function output the following: SIFT: "Tolerated"; PolyPhen-2: "Benign"; Align-GVGD: "Class C0". The aspartic acid amino acid residue is found in multiple mammalian species, which suggests that this missense change does not adversely affect protein function. ClinVar contains an entry for this variant (Variation ID: 848861). This variant has not been reported in the literature in individuals affected with CD3D-related conditions. This variant is present in population databases (no rsID available, gnomAD 0.0009%). This sequence change replaces asparagine, which is neutral and polar, with aspartic acid, which is acidic and polar, at codon 38 of the CD3D protein (p.Asn38Asp).